The following is an entry in ClinVar:

NM_001374259.2(IL12RB2):c.1889G>A (p.Ser630Asn)

Gene: IL12RB2 (interleukin 12 receptor subunit beta 2; plus strand). Cytogenetic location: 1p31.3.
Variant type: single nucleotide variant.
Coding change: c.1889G>A on transcript NM_001374259.2 (MANE Select); coding-DNA position 1889, G replaced by A.
Protein change: p.Ser630Asn; replaces serine 630 with asparagine.
Molecular consequence: missense variant. On other transcripts: non-coding transcript variant (1), intron variant (1).
Genome position (GRCh38, 1-based): chr1:67,386,612, G>A. VCF-style: chr1-67386612-G-A. GRCh37 (hg19) VCF-style: chr1-67852295-G-A.
Other names: c.1889G>A, p.Ser630Asn (NM_001258214.1, NM_001319233.1, NM_001559.3); c.1631G>A, p.Ser544Asn (NM_001258215.1); c.1855+6489G>A (NM_001258216.1); short protein forms S544N, S630N.
Identifiers: ClinVar variation 3627034 (VCV003627034.2).

ClinVar aggregate classification (germline): Uncertain significance (1 of 4 stars; one submission).

gnomAD v4.1: 32 of 1,613,656 alleles (0.002%); highest among the groups gnomAD compares: Non-Finnish European, 0.0027%; no homozygotes.

Submission:

Labcorp Genetics (formerly Invitae), Labcorp
Classification: Uncertain significance. Last evaluated: 2025-10-05. Review status: criteria provided, single submitter. Criteria: Invitae Variant Classification Sherloc (09022015). Collection method: clinical testing. Allele origin: germline.
Comment: This sequence change replaces serine, which is neutral and polar, with asparagine, which is neutral and polar, at codon 630 of the IL12RB2 protein (p.Ser630Asn). This variant is present in population databases (rs199532074, gnomAD 0.003%). This variant has not been reported in the literature in individuals affected with IL12RB2-related conditions. ClinVar contains an entry for this variant (Variation ID: 3627034). An algorithm developed to predict the effect of missense changes on protein structure and function (PolyPhen-2) suggests that this variant is likely to be disruptive. In summary, the available evidence is currently insufficient to determine the role of this variant in disease. Therefore, it has been classified as a Variant of Uncertain Significance.